The following is an entry in ClinVar:

NM_138927.4(SON):c.451G>C (p.Glu151Gln)

Gene: SON (SON DNA and RNA binding protein; plus strand). Cytogenetic location: 21q22.11.
Variant type: single nucleotide variant.
Coding change: c.451G>C on transcript NM_138927.4 (MANE Select); coding-DNA position 451, G replaced by C.
Protein change: p.Glu151Gln; replaces glutamic acid 151 with glutamine.
Molecular consequence: missense variant. On other transcripts: non-coding transcript variant (1), intron variant (1).
Genome position (GRCh38, 1-based): chr21:33,549,682, G>C. VCF-style: chr21-33549682-G-C. GRCh37 (hg19) VCF-style: chr21-34921988-G-C.
Other names: c.451G>C, p.Glu151Gln (NM_001291411.2, NM_001412133.1, NM_032195.3 and 2 more transcripts); c.244+3303G>C (NM_001291412.3); short protein forms E151Q.
Identifiers: ClinVar variation 1715825 (VCV001715825.5), dbSNP rs1245325441, ClinGen allele CA410151075.
Genomic context (GRCh38, chr21:33,549,682, plus strand): 5'-AGACAGCCAGAAGAATCTGAGTCAAAGACGAAATCTCATGATGATGGGAACATAGATTTA[G>C]AATCTGATTCCTTTTTAAAGTTTGATTCTGAACCTTCAGCTGTGGCGCTGGAGCTTCCTA-3'
Protein context (NP_620305.3, residues 141-161): KSHDDGNIDL[Glu151Gln]SDSFLKFDSE

ClinVar aggregate classification (germline): Uncertain significance (1 of 4 stars; one submission).

Allele frequency attached by ClinVar (database versions not stated): gnomAD exomes below 0.00001.
gnomAD v4.1: 2 of 1,612,658 alleles (0.00012%); highest among the groups gnomAD compares: Admixed American, 0.0033%; no homozygotes.

Submission:

Labcorp Genetics (formerly Invitae), Labcorp
Classification: Uncertain significance. Last evaluated: 2023-04-24. Review status: criteria provided, single submitter. Criteria: Invitae Variant Classification Sherloc (09022015). Collection method: clinical testing. Allele origin: germline.
Comment: This sequence change replaces glutamic acid, which is acidic and polar, with glutamine, which is neutral and polar, at codon 151 of the SON protein (p.Glu151Gln). This variant is present in population databases (no rsID available, gnomAD 0.009%). This variant has not been reported in the literature in individuals affected with SON-related conditions. ClinVar contains an entry for this variant (Variation ID: 1715825). An algorithm developed to predict the effect of missense changes on protein structure and function (PolyPhen-2) suggests that this variant is likely to be disruptive. In summary, the available evidence is currently insufficient to determine the role of this variant in disease. Therefore, it has been classified as a Variant of Uncertain Significance.